The following is an entry in ClinVar:

NM_032776.3(JMJD1C):c.7159C>G (p.Pro2387Ala)

Gene: JMJD1C (jumonji domain containing 1C; minus strand). Cytogenetic location: 10q21.3.
Variant type: single nucleotide variant.
Coding change: c.7159C>G on transcript NM_032776.3 (MANE Select); coding-DNA position 7159, C replaced by G.
Protein change: p.Pro2387Ala; replaces proline 2387 with alanine.
Molecular consequence: missense variant. On other transcripts: non-coding transcript variant (1).
Genome position (GRCh38, 1-based): chr10:63,177,782, G>C on the plus strand (C>G on the coding strand, the complement: JMJD1C is on the minus strand). VCF-style: chr10-63177782-G-C. GRCh37 (hg19) VCF-style: chr10-64937542-G-C.
Other names: c.6613C>G, p.Pro2205Ala (NM_001282948.2, NM_001318154.2); c.6295C>G, p.Pro2099Ala (NM_001318153.2); c.7045C>G, p.Pro2349Ala (NM_001322252.2); c.6502C>G, p.Pro2168Ala (NM_001322254.2, NM_001322258.2); c.7159C>G (NM_032776.1); short protein forms P2099A, P2205A, P2387A, P2349A, P2168A.
Identifiers: ClinVar variation 939734 (VCV000939734.11), dbSNP rs1217362752, ClinGen allele CA377019846.

ClinVar aggregate classification (germline): Uncertain significance. Review status: criteria provided, multiple submitters, no conflicts (2 of 4 stars). 2 submissions from 2 submitters: Uncertain significance (2). Last evaluated 2024-07-30.

Conditions:
Early Myoclonic Encephalopathy. Identifiers: MedGen C0270855.

Allele frequency attached by ClinVar (database versions not stated): gnomAD 0.00001; TOPMed 0.00002; gnomAD exomes below 0.00001.
gnomAD v4.1: 3 of 1,613,550 alleles (0.00019%); highest among the groups gnomAD compares: Admixed American, 0.005%; no homozygotes.

Submissions (2):

Ambry Genetics
Classification: Uncertain significance. Last evaluated: 2024-07-30. Review status: criteria provided, single submitter. Criteria: Ambry Variant Classification Scheme 2023. Collection method: clinical testing. Allele origin: germline.

Labcorp Genetics (formerly Invitae), Labcorp
Classification: Uncertain significance for Early Myoclonic Encephalopathy. Last evaluated: 2024-07-15. Review status: criteria provided, single submitter. Criteria: Invitae Variant Classification Sherloc (09022015). Collection method: clinical testing. Allele origin: germline.
Comment: This sequence change replaces proline, which is neutral and non-polar, with alanine, which is neutral and non-polar, at codon 2387 of the JMJD1C protein (p.Pro2387Ala). This variant is present in population databases (no rsID available, gnomAD 0.003%). This variant has not been reported in the literature in individuals affected with JMJD1C-related conditions. ClinVar contains an entry for this variant (Variation ID: 939734). Advanced modeling of protein sequence and biophysical properties (such as structural, functional, and spatial information, amino acid conservation, physicochemical variation, residue mobility, and thermodynamic stability) performed at Invitae indicates that this missense variant is expected to disrupt JMJD1C protein function with a positive predictive value of 80%. In summary, the available evidence is currently insufficient to determine the role of this variant in disease. Therefore, it has been classified as a Variant of Uncertain Significance.